The following is an entry in ClinVar:

ClinVar aggregate classification (germline): Benign/Likely benign. Review status: criteria provided, multiple submitters, no conflicts (2 of 4 stars). 4 submissions from 4 submitters: Benign (1); Likely benign (3). Last evaluated 2026-07-01.

Conditions:
INPP5K-related disorder. Also called: INPP5K-related condition.

Allele frequency attached by ClinVar (database versions not stated): 1000 Genomes Project 30x 0.00047; 1000 Genomes Project 0.00060; gnomAD 0.00222; TOPMed 0.00222; ESP Exome Variant Server 0.00247; ExAC 0.00314.

Submissions (4):

CeGaT Center for Human Genetics Tuebingen
Classification: Likely benign. Last evaluated: 2026-07-01. Review status: criteria provided, single submitter. Criteria: CeGaT Center For Human Genetics Tuebingen Variant Classification Criteria Version 2. Collection method: clinical testing. Allele origin: germline. Affected: yes. Observed: 9 variant alleles.
Comment: INPP5K: BP4, BS2

PreventionGenetics, part of Exact Sciences
Classification: Likely benign for INPP5K-related condition. Last evaluated: 2025-09-18. Review status: criteria provided, single submitter. Criteria: ACMG Guidelines, 2015. Collection method: clinical testing. Allele origin: germline.
Comment: This variant is classified as likely benign based on ACMG/AMP sequence variant interpretation guidelines (Richards et al. 2015 PMID: 25741868, with internal and published modifications).

Blueprint Genetics
Classification: Likely benign. Last evaluated: 2024-11-21. Review status: criteria provided, single submitter. Criteria: ACMG Guidelines, 2015. Collection method: clinical testing. Allele origin: germline.

Mayo Clinic Laboratories, Mayo Clinic
Classification: Benign. Last evaluated: 2023-07-06. Review status: criteria provided, single submitter. Criteria: ACMG Guidelines, 2015. Collection method: clinical testing. Allele origin: germline. Observed: 5 variant alleles.
Comment: BS1, BS2

NM_016532.4(INPP5K):c.-4G>A

Gene: INPP5K (inositol polyphosphate-5-phosphatase K; minus strand). Cytogenetic location: 17p13.3.
Variant type: single nucleotide variant.
Coding change: c.-4G>A on transcript NM_016532.4 (MANE Select); 4 bases upstream of the start codon, G replaced by A.
Molecular consequence: 5 prime UTR variant.
Genome position (GRCh38, 1-based): chr17:1,516,503, C>T on the plus strand (G>A on the coding strand, the complement: INPP5K is on the minus strand). VCF-style: chr17-1516503-C-T. GRCh37 (hg19) VCF-style: chr17-1419797-C-T.
Other names: c.-622G>A (NM_001135642.2); c.-463G>A (NM_130766.3); c.-4G>A (NM_016532.3).
Identifiers: ClinVar variation 2647189 (VCV002647189.27), dbSNP rs201964853, ClinGen allele CA8268770.